The following is an entry in ClinVar:

ClinVar aggregate classification (germline): Uncertain significance (1 of 4 stars; one submission).

Allele frequency attached by ClinVar (database versions not stated): ExAC 0.00001; TOPMed 0.00002; gnomAD 0.00003; gnomAD exomes 0.00003; ESP Exome Variant Server 0.00008.
gnomAD v4.1: 46 of 1,613,700 alleles (0.0029%); highest among the groups gnomAD compares: Non-Finnish European, 0.0035%; no homozygotes.

Submission:

Labcorp Genetics (formerly Invitae), Labcorp
Classification: Uncertain significance. Last evaluated: 2023-10-29. Review status: criteria provided, single submitter. Criteria: Invitae Variant Classification Sherloc (09022015). Collection method: clinical testing. Allele origin: germline.
Comment: This sequence change replaces serine, which is neutral and polar, with phenylalanine, which is neutral and non-polar, at codon 452 of the HMCN1 protein (p.Ser452Phe). This variant is present in population databases (rs373157669, gnomAD 0.005%). This variant has not been reported in the literature in individuals affected with HMCN1-related conditions. ClinVar contains an entry for this variant (Variation ID: 1517727). An algorithm developed to predict the effect of missense changes on protein structure and function (PolyPhen-2) suggests that this variant is likely to be tolerated. In summary, the available evidence is currently insufficient to determine the role of this variant in disease. Therefore, it has been classified as a Variant of Uncertain Significance.

NM_031935.3(HMCN1):c.1355C>T (p.Ser452Phe)

Gene: HMCN1 (hemicentin 1; plus strand). Cytogenetic location: 1q31.1.
Variant type: single nucleotide variant.
Coding change: c.1355C>T on transcript NM_031935.3 (MANE Select); coding-DNA position 1355, C replaced by T.
Protein change: p.Ser452Phe; replaces serine 452 with phenylalanine.
Molecular consequence: missense variant.
Genome position (GRCh38, 1-based): chr1:185,925,116, C>T. VCF-style: chr1-185925116-C-T. GRCh37 (hg19) VCF-style: chr1-185894248-C-T.
Other names: short protein forms S452F.
Identifiers: ClinVar variation 1517727 (VCV001517727.6), dbSNP rs373157669, ClinGen allele CA1291087.